The following is an entry in ClinVar:

ClinVar aggregate classification (germline): Uncertain significance (1 of 4 stars; one submission).

Submission:

Ambry Genetics
Classification: Uncertain significance. Last evaluated: 2022-06-03. Review status: criteria provided, single submitter. Criteria: Ambry Variant Classification Scheme 2023. Collection method: clinical testing. Allele origin: germline.
Comment: The p.T29M variant (also known as c.86C>T), located in coding exon 1 of the FAM175A gene, results from a C to T substitution at nucleotide position 86. The threonine at codon 29 is replaced by methionine, an amino acid with similar properties. This amino acid position is conserved. In addition, this alteration is predicted to be tolerated by in silico analysis. Since supporting evidence is limited at this time, the clinical significance of this alteration remains unclear.

NM_139076.3(ABRAXAS1):c.86C>T (p.Thr29Met)

Genes: ABRAXAS1 (abraxas 1, BRCA1 A complex subunit; minus strand), LOC129992784 (ATAC-STARR-seq lymphoblastoid silent region 15542; plus strand). Cytogenetic location: 4q21.23.
Variant type: single nucleotide variant.
Coding change: c.86C>T on transcript NM_139076.3 (MANE Select); coding-DNA position 86, C replaced by T.
Protein change: p.Thr29Met; replaces threonine 29 with methionine.
Molecular consequence: missense variant. On other transcripts: 5 prime UTR variant (1).
Genome position (GRCh38, 1-based): chr4:83,484,987, G>A on the plus strand (C>T on the coding strand, the complement: ABRAXAS1 is on the minus strand). VCF-style: chr4-83484987-G-A. GRCh37 (hg19) VCF-style: chr4-84406140-G-A.
Other names: c.-175C>T (NM_001345962.2); short protein forms T29M.
Identifiers: ClinVar variation 1800382 (VCV001800382.2), dbSNP rs755270432, ClinGen allele CA357263862.